The following is an entry in ClinVar:

NM_005027.4(PIK3R2):c.272_286dup (p.Pro95_Leu96insArgGlyProArgPro)

Gene: PIK3R2 (phosphoinositide-3-kinase regulatory subunit 2; plus strand). Cytogenetic location: 19p13.11.
Variant type: Duplication.
Coding change: c.272_286dup on transcript NM_005027.4 (MANE Select); coding-DNA positions 272 to 286, 15 bases duplicated (GGGGCCCCCGCCCAC).
Protein change: p.Pro95_Leu96insArgGlyProArgPro.
Molecular consequence: inframe insertion. On other transcripts: non-coding transcript variant (2).
Genome position (GRCh38, 1-based): chr19:18,156,151-18,156,165, GGGGCCCCCGCCCAC duplicated; duplicating any 15 consecutive bases within chr19:18,156,144-18,156,165 gives the same sequence; the c. name uses the placement nearest the transcript's 3' end. VCF-style (leftmost placement, unchanged base first): chr19-18156143-T-TCGCCCACGGGGCCCC. GRCh37 (hg19) VCF-style: chr19-18266953-T-TCGCCCACGGGGCCCC.
Other names: c.272_286dup (NM_005027.2).
Identifiers: ClinVar variation 3389316 (VCV003389316.15).

ClinVar aggregate classification (germline): Uncertain significance. Review status: criteria provided, multiple submitters, no conflicts (2 of 4 stars). 2 submissions from 2 submitters: Uncertain significance (2). Last evaluated 2025-08-06.

Submissions (2):

GeneDx
Classification: Uncertain significance. Last evaluated: 2025-08-06. Review status: criteria provided, single submitter. Criteria: GeneDx Variant Classification Process June 2021. Collection method: clinical testing. Allele origin: germline. Affected: yes.
Comment: Not observed at significant frequency in large population cohorts (gnomAD); In-frame duplication of 5 amino acid(s) in a non-repeat region; Has not been previously published as pathogenic or benign to our knowledge

CeGaT Center for Human Genetics Tuebingen
Classification: Uncertain significance. Last evaluated: 2024-11-01. Review status: criteria provided, single submitter. Criteria: CeGaT Center For Human Genetics Tuebingen Variant Classification Criteria Version 2. Collection method: clinical testing. Allele origin: germline. Affected: yes. Observed: 1 variant allele.
Comment: PIK3R2: PM2, BP3